The following is an entry in ClinVar:

ClinVar aggregate classification (germline): Uncertain significance (1 of 4 stars; one submission).

Conditions:
Malignant hyperthermia, susceptibility to, 1 (MHS1). Also called: Anesthesia related hyperthermia; Malignant hyperpyrexia; Fulminating hyperpyrexia; Pharmacogenic myopathy; RYR1-Related Malignant Hyperthermia Susceptibility; Malignant hyperthermia suceptibility 1. Identifiers: Orphanet 423, MedGen C2930980, MONDO:0007783, OMIM 145600.

gnomAD v4.1: 1 of 1,612,422 alleles (0.000062%); highest among the groups gnomAD compares: South Asian, 0.0011%; no homozygotes.

Submission:

All of Us Research Program, National Institutes of Health
Classification: Uncertain significance for Malignant hyperthermia, susceptibility to, 1. Last evaluated: 2024-04-16. Review status: criteria provided, single submitter. Criteria: ACMG Guidelines, 2015. Collection method: clinical testing. Allele origin: germline. Inheritance: Autosomal dominant inheritance. Observed: 1 variant allele, 1 heterozygote.
Comment: This missense variant replaces aspartic acid with histidine at codon 1689 of the RYR1 protein. Computational prediction suggests that this variant may have deleterious impact on protein structure and function (internally defined REVEL score threshold >= 0.7, PMID: 27666373). To our knowledge, functional studies have not been reported for this variant. This variant has not been reported in individuals affected with RYR1-related disorders in the literature. This variant has not been identified in the general population by the Genome Aggregation Database (gnomAD). The available evidence is insufficient to determine the role of this variant in disease conclusively. Therefore, this variant is classified as a Variant of Uncertain Significance.

This study involves interpretation of variants in research participants for the purpose of population health screening. Participant phenotype was not available at the time of variant classification. Additional details can be found in publication PMID: 35346344, PMCID: PMC8962531

NM_000540.3(RYR1):c.5065G>C (p.Asp1689His)

Gene: RYR1 (ryanodine receptor 1; plus strand). Cytogenetic location: 19q13.2.
Variant type: single nucleotide variant.
Coding change: c.5065G>C on transcript NM_000540.3 (MANE Select); coding-DNA position 5065, G replaced by C.
Protein change: p.Asp1689His; replaces aspartic acid 1689 with histidine.
Molecular consequence: missense variant.
Genome position (GRCh38, 1-based): chr19:38,485,720, G>C. VCF-style: chr19-38485720-G-C. GRCh37 (hg19) VCF-style: chr19-38976360-G-C.
Other names: c.5065G>C, p.Asp1689His (NM_001042723.2); short protein forms D1689H.
Identifiers: ClinVar variation 3387729 (VCV003387729.1).